The following is an entry in ClinVar:

NM_001122681.2(SH3BP2):c.707C>T (p.Pro236Leu)

Gene: SH3BP2 (SH3 domain binding protein 2; plus strand). Cytogenetic location: 4p16.3.
Variant type: single nucleotide variant.
Coding change: c.707C>T on transcript NM_001122681.2 (MANE Select); coding-DNA position 707, C replaced by T.
Protein change: p.Pro236Leu; replaces proline 236 with leucine.
Molecular consequence: missense variant.
Genome position (GRCh38, 1-based): chr4:2,829,613, C>T. VCF-style: chr4-2829613-C-T. GRCh37 (hg19) VCF-style: chr4-2831340-C-T.
Other names: c.791C>T, p.Pro264Leu (NM_001145855.2); c.878C>T, p.Pro293Leu (NM_001145856.2); c.707C>T, p.Pro236Leu (NM_003023.4); short protein forms P293L, P236L, P264L.
Identifiers: ClinVar variation 1392613 (VCV001392613.6), dbSNP rs2108738526, ClinGen allele CA356055961.

ClinVar aggregate classification (germline): Uncertain significance (1 of 4 stars; one submission).

Conditions:
Fibrous dysplasia of jaw (CRBM). Also called: Cherubism. Identifiers: Orphanet 184, MedGen C0008029, MONDO:0007315, OMIM 118400.

Submission:

Labcorp Genetics (formerly Invitae), Labcorp
Classification: Uncertain significance for Fibrous dysplasia of jaw. Last evaluated: 2021-11-18. Review status: criteria provided, single submitter. Criteria: Invitae Variant Classification Sherloc (09022015). Collection method: clinical testing. Allele origin: germline.
Comment: This sequence change replaces proline, which is neutral and non-polar, with leucine, which is neutral and non-polar, at codon 236 of the SH3BP2 protein (p.Pro236Leu). In summary, the available evidence is currently insufficient to determine the role of this variant in disease. Therefore, it has been classified as a Variant of Uncertain Significance. Algorithms developed to predict the effect of missense changes on protein structure and function are either unavailable or do not agree on the potential impact of this missense change (SIFT: "Deleterious"; PolyPhen-2: "Probably Damaging"; Align-GVGD: "Class C0"). This variant has not been reported in the literature in individuals affected with SH3BP2-related conditions. This variant is not present in population databases (gnomAD no frequency).